The following is an entry in ClinVar:

NM_001083926.2(ASRGL1):c.402del (p.Pro135fs)

Gene: ASRGL1 (asparaginase and isoaspartyl peptidase 1; plus strand). Cytogenetic location: 11q12.3.
Variant type: Deletion.
Coding change: c.402del on transcript NM_001083926.2 (MANE Select); coding-DNA position 402, one base deleted (T; older notation c.402delT).
Protein change: p.Pro135fs; shifts the reading frame from proline 135.
Molecular consequence: frameshift variant.
Genome position (GRCh38, 1-based): chr11:62,357,055, T deleted; the last of 2 consecutive T bases (chr11:62,357,054-62,357,055); deleting either gives the same sequence. VCF-style (leftmost placement, unchanged base first): chr11-62357053-AT-A. GRCh37 (hg19) VCF-style: chr11-62124525-AT-A.
Other names: c.402del, p.Pro135fs (NM_025080.4); short protein forms P135fs.
Identifiers: ClinVar variation 2107137 (VCV002107137.4), dbSNP rs1946316141, ClinGen allele CA938650194.

ClinVar aggregate classification (germline): Uncertain significance (1 of 4 stars; one submission).

Submission:

Labcorp Genetics (formerly Invitae), Labcorp
Classification: Uncertain significance. Last evaluated: 2022-07-19. Review status: criteria provided, single submitter. Criteria: Invitae Variant Classification Sherloc (09022015). Collection method: clinical testing. Allele origin: germline.
Comment: In summary, the available evidence is currently insufficient to determine the role of this variant in disease. Therefore, it has been classified as a Variant of Uncertain Significance. This variant has not been reported in the literature in individuals affected with ASRGL1-related conditions. This variant is not present in population databases (gnomAD no frequency). This sequence change creates a premature translational stop signal (p.Pro135Leufs*6) in the ASRGL1 gene. It is expected to result in an absent or disrupted protein product. However, the current clinical and genetic evidence is not sufficient to establish whether loss-of-function variants in ASRGL1 cause disease.